The following is an entry in ClinVar:

ClinVar aggregate classification (germline): Uncertain significance (1 of 4 stars; one submission).

Submission:

GeneDx
Classification: Uncertain significance. Last evaluated: 2024-03-27. Review status: criteria provided, single submitter. Criteria: GeneDx Variant Classification Process June 2021. Collection method: clinical testing. Allele origin: germline. Affected: yes.
Comment: Not observed at significant frequency in large population cohorts (gnomAD); In silico analysis supports that this missense variant has a deleterious effect on protein structure/function; Has not been previously published as pathogenic or benign to our knowledge

NM_003995.4(NPR2):c.889A>G (p.Thr297Ala)

Gene: NPR2 (natriuretic peptide receptor 2; plus strand). Cytogenetic location: 9p13.3.
Variant type: single nucleotide variant.
Coding change: c.889A>G on transcript NM_003995.4 (MANE Select); coding-DNA position 889, A replaced by G.
Protein change: p.Thr297Ala; replaces threonine 297 with alanine.
Molecular consequence: missense variant.
Genome position (GRCh38, 1-based): chr9:35,799,633, A>G. VCF-style: chr9-35799633-A-G. GRCh37 (hg19) VCF-style: chr9-35799630-A-G.
Other names: c.889A>G, p.Thr297Ala (NM_001378923.1); short protein forms T297A.
Identifiers: ClinVar variation 3371598 (VCV003371598.1).
Genomic context (GRCh38, chr9:35,799,633, plus strand): 5'-CTATCTTGAATCCTGTTCACTCTTCCCCATATGCTGCTGGTACAGACTGTATTGGTGATC[A>G]CGTACCGAGAACCCCCAAATCCTGAGTATCAGGAATTCCAGAATCGTCTGCTGATAAGAG-3'
Protein context (NP_003986.2, residues 287-307): REAFQTVLVI[Thr297Ala]YREPPNPEYQ